The following is an entry in ClinVar:

ClinVar aggregate classification (germline): Uncertain significance (1 of 4 stars; one submission).

Conditions:
Pheochromocytoma/paraganglioma syndrome 3. Also called: GLOMUS TUMORS, FAMILIAL, 3; SDHC-Related Hereditary Paraganglioma-Pheochromocytoma Syndrome (Paragangliomas 3); SDHC-Related Hereditary Paraganglioma-Pheochromocytoma Syndrome; Paragangliomas 3. Identifiers: Orphanet 29072, MedGen C1854336, MONDO:0011544, OMIM 605373.
Gastrointestinal stromal tumor. Also called: Gastrointestinal stroma tumor; Gastrointestinal stromal tumor, somatic. Identifiers: Orphanet 44890, MedGen C0238198, MeSH D046152, MONDO:0011719, OMIM 606764, HP:0100723.

Submission:

Labcorp Genetics (formerly Invitae), Labcorp
Classification: Uncertain significance for Pheochromocytoma/paraganglioma syndrome 3; Gastrointestinal stromal tumor. Last evaluated: 2022-05-08. Review status: criteria provided, single submitter. Criteria: Invitae Variant Classification Sherloc (09022015). Collection method: clinical testing. Allele origin: germline.
Comment: This variant has not been reported in the literature in individuals affected with SDHC-related conditions. This variant is not present in population databases (gnomAD no frequency). This sequence change replaces glutamic acid, which is acidic and polar, with aspartic acid, which is acidic and polar, at codon 97 of the SDHC protein (p.Glu97Asp). Advanced modeling of protein sequence and biophysical properties (such as structural, functional, and spatial information, amino acid conservation, physicochemical variation, residue mobility, and thermodynamic stability) performed at Invitae indicates that this missense variant is expected to disrupt SDHC protein function. In summary, the available evidence is currently insufficient to determine the role of this variant in disease. Therefore, it has been classified as a Variant of Uncertain Significance.

NM_003001.5(SDHC):c.291G>C (p.Glu97Asp)

Gene: SDHC (succinate dehydrogenase complex subunit C; plus strand). Cytogenetic location: 1q23.3.
Variant type: single nucleotide variant.
Coding change: c.291G>C on transcript NM_003001.5 (MANE Select); coding-DNA position 291, G replaced by C.
Protein change: p.Glu97Asp; replaces glutamic acid 97 with aspartic acid.
Molecular consequence: missense variant. On other transcripts: non-coding transcript variant (1), intron variant (3).
Genome position (GRCh38, 1-based): chr1:161,356,726, G>C. VCF-style: chr1-161356726-G-C. GRCh37 (hg19) VCF-style: chr1-161326516-G-C.
Other names: c.189G>C, p.Glu63Asp (NM_001035512.3); c.132G>C, p.Glu44Asp (NM_001035513.3); c.411G>C, p.Glu137Asp (NM_001407115.1); c.234G>C, p.Glu78Asp (NM_001407116.1); c.228G>C, p.Glu76Asp (NM_001407117.1); c.183G>C, p.Glu61Asp (NM_001407118.1); c.180G>C, p.Glu60Asp (NM_001407119.1, NM_001407120.1); c.242-5603G>C (NM_001035511.3); and 2 more; short protein forms E60D, E137D, E63D, E44D, E61D, E76D, E78D, E97D.
Identifiers: ClinVar variation 2135307 (VCV002135307.4), dbSNP rs2526536342, ClinGen allele CA343456375.